The following is an entry in ClinVar:

NM_001377265.1(MAPT):c.2173G>T (p.Gly725Ter)

Gene: MAPT (microtubule associated protein tau). Cytogenetic location: 17q21.31.
Variant type: single nucleotide variant.
Coding change: c.2173G>T on transcript NM_001377265.1 (MANE Select); coding-DNA position 2173, G replaced by T.
Protein change: p.Gly725Ter; replaces glycine 725 with a stop codon.
Molecular consequence: nonsense. On other transcripts: non-coding transcript variant (1), intron variant (1).
Genome position (GRCh38, 1-based): chr17:46,014,324, G>T. VCF-style: chr17-46014324-G-T. GRCh37 (hg19) VCF-style: chr17-44091690-G-T.
Other names: c.2002G>T, p.Gly668Ter (NM_001123066.4); c.910G>T, p.Gly304Ter (NM_001123067.4); c.817G>T, p.Gly273Ter (NM_001203251.2); c.904G>T, p.Gly302Ter (NM_001203252.2); c.1882G>T, p.Gly628Ter (NM_001377266.1); c.730G>T, p.Gly244Ter (NM_001377268.1, NM_016841.5); c.997G>T, p.Gly333Ter (NM_005910.6); c.823G>T, p.Gly275Ter (NM_016834.5); and 2 more; short protein forms G244*, G304*, G275*, G302*, G650*, G725*, G273*, G333*.
Identifiers: ClinVar variation 961854 (VCV000961854.8), dbSNP rs2076012350, ClinGen allele CA399983601.
Genomic context (GRCh38, chr17:46,014,324, plus strand): 5'-GTTGACCTGAGCAAGGTGACCTCCAAGTGTGGCTCATTAGGCAACATCCATCATAAACCA[G>T]GTAGCCCTGTGGAAGGTGAGGGTTGGGACGGGAGGGTGCAGGGGGTGGAGGAGTCCTGGT-3'

ClinVar aggregate classification (germline): Uncertain significance (1 of 4 stars; one submission).

Conditions:
Frontotemporal dementia (FTD1). Also called: Frontotemporal Dementia with Parkinsonism-17 (FTDP-17); FRONTOTEMPORAL DEMENTIA WITH PARKINSONISM; WILHELMSEN-LYNCH DISEASE; Frontotemporal lobe dementia (FLDEM); FRONTOTEMPORAL LOBE DEMENTIA; FRONTOTEMPORAL LOBAR DEGENERATION WITH TAU INCLUSIONS. Identifiers: Orphanet 282, MedGen C0338451, MONDO:0017276, OMIM 600274, HP:0002145.

Submission:

Labcorp Genetics (formerly Invitae), Labcorp
Classification: Uncertain significance for Frontotemporal dementia. Last evaluated: 2025-05-19. Review status: criteria provided, single submitter. Criteria: Invitae Variant Classification Sherloc (09022015). Collection method: clinical testing. Allele origin: germline.
Comment: This sequence change creates a premature translational stop signal (p.Gly333*) in the MAPT gene. It is expected to result in an absent or disrupted protein product. However, the current clinical and genetic evidence is not sufficient to establish whether loss-of-function variants in MAPT cause disease. This variant is not present in population databases (gnomAD no frequency). This variant has not been reported in the literature in individuals affected with MAPT-related conditions. ClinVar contains an entry for this variant (Variation ID: 961854). Algorithms developed to predict the effect of sequence changes on RNA splicing suggest that this variant may disrupt the consensus splice site. In summary, the available evidence is currently insufficient to determine the role of this variant in disease. Therefore, it has been classified as a Variant of Uncertain Significance.